The following is an entry in ClinVar:

NM_198503.5(KCNT2):c.2698-21GTTT[2]

Gene: KCNT2 (potassium sodium-activated channel subfamily T member 2; minus strand). Cytogenetic location: 1q31.3.
Variant type: Microsatellite.
Coding change: c.2698-21GTTT[2] on transcript NM_198503.5 (MANE Select); two copies in a row of the 4-base unit GTTT starting at c.2698-21; the reference has three copies in a row; one copy, 4 bases deleted.
Molecular consequence: intron variant.
Genome position (GRCh38, 1-based): chr1:196,282,366-196,282,369, AAAC deleted on the plus strand (GTTT on the coding strand, the reverse complement: KCNT2 is on the minus strand); deleting any 4 consecutive bases within chr1:196,282,366-196,282,379 gives the same sequence; the position shown is the placement nearest the transcript's 3' end. VCF-style (leftmost placement, unchanged base first): chr1-196282365-TAAAC-T. GRCh37 (hg19) VCF-style: chr1-196251495-TAAAC-T.
Other names: c.2476-21GTTT[2] (NM_001287820.3); c.2626-21GTTT[2] (NM_001287819.3).
Identifiers: ClinVar variation 3033615 (VCV003033615.3), dbSNP rs550636021, ClinGen allele CA1304115.

ClinVar aggregate classification (germline): Likely benign. Review status: criteria provided, single submitter (1 of 4 stars). 2 submissions from 2 submitters: Likely benign (1). 1 of the submissions does not count toward it. Last evaluated 2024-07-25.

Conditions:
KCNT2-related disorder. Also called: KCNT2-related condition. Identifiers: MedGen CN236796.

Submissions (2):

Blueprint Genetics
Classification: Likely benign. Last evaluated: 2024-07-25. Review status: criteria provided, single submitter. Criteria: ACMG Guidelines, 2015. Collection method: clinical testing. Allele origin: germline.

PreventionGenetics, part of Exact Sciences
Classification: Likely benign for KCNT2-related condition. Last evaluated: 2019-10-28. Review status: no assertion criteria provided. Collection method: clinical testing. Allele origin: germline. Not counted in ClinVar's aggregate classification.
Comment: This variant is classified as likely benign based on ACMG/AMP sequence variant interpretation guidelines (Richards et al. 2015 PMID: 25741868, with internal and published modifications).